The following is an entry in ClinVar:

ClinVar aggregate classification (germline): Uncertain significance (1 of 4 stars; one submission).

Submission:

Ambry Genetics
Classification: Uncertain significance. Last evaluated: 2023-10-24. Review status: criteria provided, single submitter. Criteria: Ambry Variant Classification Scheme 2023. Collection method: clinical testing. Allele origin: germline.
Comment: The p.M404T variant (also known as c.1211T>C), located in coding exon 6 of the MNDA gene, results from a T to C substitution at nucleotide position 1211. The methionine at codon 404 is replaced by threonine, an amino acid with similar properties. This amino acid position is conserved. In addition, this alteration is predicted to be tolerated by in silico analysis. Since supporting evidence is limited at this time, the clinical significance of this alteration remains unclear.

NM_002432.3(MNDA):c.1211T>C (p.Met404Thr)

Gene: MNDA (myeloid cell nuclear differentiation antigen; plus strand). Cytogenetic location: 1q23.1.
Variant type: single nucleotide variant.
Coding change: c.1211T>C on transcript NM_002432.3 (MANE Select); coding-DNA position 1211, T replaced by C.
Protein change: p.Met404Thr; replaces methionine 404 with threonine.
Molecular consequence: missense variant.
Genome position (GRCh38, 1-based): chr1:158,849,224, T>C. VCF-style: chr1-158849224-T-C. GRCh37 (hg19) VCF-style: chr1-158819014-T-C.
Other names: short protein forms M404T.
Identifiers: ClinVar variation 1750537 (VCV001750537.2), dbSNP rs2526096632, ClinGen allele CA343045905.